The following is an entry in ClinVar:

ClinVar aggregate classification (germline): Likely benign (1 of 4 stars; one submission).

Conditions:
ALPK3-related disorder. Also called: ALPK3-related condition.

gnomAD v4.1: 1 of 1,614,032 alleles (0.000062%); highest among the groups gnomAD compares: African/African-American, 0.0013%; no homozygotes.

Submission:

PreventionGenetics, part of Exact Sciences
Classification: Likely benign for ALPK3-related condition. Last evaluated: 2026-02-06. Review status: criteria provided, single submitter. Criteria: ACMG Guidelines, 2015. Collection method: clinical testing. Allele origin: germline.
Comment: This variant is classified as likely benign based on ACMG/AMP sequence variant interpretation guidelines (Richards et al. 2015 PMID: 25741868, with internal and published modifications).

NM_020778.5(ALPK3):c.4323G>C (p.Thr1441=)

Gene: ALPK3 (alpha kinase 3; plus strand). Cytogenetic location: 15q25.3.
Variant type: single nucleotide variant.
Coding change: c.4323G>C on transcript NM_020778.5 (MANE Select); coding-DNA position 4323, G replaced by C.
Protein change: p.Thr1441=; no amino-acid change (threonine 1441 retained).
Molecular consequence: synonymous variant.
Genome position (GRCh38, 1-based): chr15:84,862,828, G>C. VCF-style: chr15-84862828-G-C. GRCh37 (hg19) VCF-style: chr15-85406059-G-C.
Identifiers: ClinVar variation 4985369 (VCV004985369.1).
Genomic context (GRCh38, chr15:84,862,828, plus strand): 5'-GAAGGCCTCCCAGGCCAAGGTCATCTACGGGCTGGAACCCATCTTCGAGTCGGGCCGCAC[G>C]TGCATCATCAAGGTGTCCAGCCTGCTTGTGTTTGGGCCCAGCAGTGAGACTTCTCTTGTG-3'
Protein context (NP_065829.4, residues 1431-1451): GLEPIFESGR[Thr1441=]CIIKVSSLLV